The following is an entry in ClinVar:

NM_001009944.3(PKD1):c.2250G>A (p.Trp750Ter)

Gene: PKD1 (polycystin 1, transient receptor potential channel interacting; minus strand). Cytogenetic location: 16p13.3.
Variant type: single nucleotide variant.
Coding change: c.2250G>A on transcript NM_001009944.3 (MANE Select); coding-DNA position 2250, G replaced by A.
Protein change: p.Trp750Ter; replaces tryptophan 750 with a stop codon.
Molecular consequence: nonsense.
Genome position (GRCh38, 1-based): chr16:2,114,773, C>T on the plus strand (G>A on the coding strand, the complement: PKD1 is on the minus strand). VCF-style: chr16-2114773-C-T. GRCh37 (hg19) VCF-style: chr16-2164774-C-T.
Other names: c.2250G>A, p.Trp750Ter (NM_000296.4); short protein forms W750*.
Identifiers: ClinVar variation 997405 (VCV000997405.1), dbSNP rs2092601367, ClinGen allele CA394388495.

ClinVar aggregate classification (germline): Pathogenic (0 of 4 stars; one submission).

Conditions:
Polycystic kidney disease. Also called: Polycystic kidney dysplasia; Kidney, Polycystic. Identifiers: MedGen C0022680, MeSH D007690, MONDO:0020642, HP:0000113.

Submission:

Department of Pathology and Laboratory Medicine, Sinai Health System
Classification: Pathogenic for Polycystic Kidney disease. Review status: no assertion criteria provided. Collection method: clinical testing. Allele origin: unknown. Affected: yes. Study: The Canadian Open Genetics Repository (COGR).
Comment: The PKD1 p.Trp750* variant was not identified in the literature nor was it identified in the following databases: dbSNP, ClinVar, LOVD 3.0, ADPKD Mutation Database, PKD1-LOVD. The variant was not identified in the following control databases: the 1000 Genomes Project, the NHLBI GO Exome Sequencing Project, the Exome Aggregation Consortium (August 8th 2016), or the Genome Aggregation Database (Feb 27, 2017). The p.Trp750* variant leads to a premature stop codon at position 750, which is predicted to lead to a truncated or absent protein and loss of function. Loss of function variants of the PKD1 gene are an established mechanism of disease in autosomal dominant polycystic kidney disease and is the type of variant expected to cause the disorder. In summary, based on the above information this variant meets our laboratoryâ€šÃ„Ã´s criteria to be classified as pathogenic.